The following is an entry in ClinVar:

NM_003477.3(PDHX):c.*200T>C

Gene: PDHX (pyruvate dehydrogenase complex component X; plus strand). Cytogenetic location: 11p13.
Variant type: single nucleotide variant.
Coding change: c.*200T>C on transcript NM_003477.3 (MANE Select); 200 bases downstream of the stop codon, T replaced by C.
Molecular consequence: 3 prime UTR variant.
Genome position (GRCh38, 1-based): chr11:34,995,372, T>C. VCF-style: chr11-34995372-T-C. GRCh37 (hg19) VCF-style: chr11-35016919-T-C.
Other names: c.*200T>C (NM_001135024.2, NM_001166158.2).
Identifiers: ClinVar variation 304478 (VCV000304478.7), dbSNP rs16926653, ClinGen allele CA10634716.

ClinVar aggregate classification (germline): Benign. Review status: criteria provided, multiple submitters, no conflicts (2 of 4 stars). 3 submissions from 3 submitters: Benign (3). Last evaluated 2018-06-16.

Conditions:
Pyruvate dehydrogenase E3-binding protein deficiency (PDHXD). Also called: E3-Binding Protein (Component X) Deficiency; LACTIC ACIDEMIA DUE TO DEFECT IN LIPOYL-CONTAINING COMPONENT X OF THE PYRUVATE DEHYDROGENASE COMPLEX; Lacticacidemia due to PDX1 deficiency; PYRUVATE HYDROGENASE E3-BINDING PROTEIN DEFICIENCY. Identifiers: Orphanet 255182, MedGen C1855553, MONDO:0009503, OMIM 245349.

Allele frequency attached by ClinVar (database versions not stated): gnomAD exomes 0.00639; gnomAD 0.04761 and 0.05109; 1000 Genomes Project 0.05451; TOPMed 0.05585; 1000 Genomes Project 30x 0.05840.
gnomAD v4.1: 10,016 of 561,774 alleles (1.8%); highest among the groups gnomAD compares: African/African-American, 16%; 711 homozygotes.

Submissions (3):

GeneDx
Classification: Benign. Last evaluated: 2018-06-16. Review status: criteria provided, single submitter. Criteria: GeneDx Variant Classification Process June 2021. Collection method: clinical testing. Allele origin: germline. Affected: yes.

Illumina Laboratory Services, Illumina
Classification: Benign for Pyruvate dehydrogenase E3-binding protein deficiency. Last evaluated: 2018-01-13. Review status: criteria provided, single submitter. Criteria: ICSL Variant Classification Criteria 13 December 2019. Collection method: clinical testing. Allele origin: germline.
Comment: This variant was observed in the ICSL laboratory as part of a predisposition screen in an ostensibly healthy population. It had not been previously curated by ICSL or reported in the Human Gene Mutation Database (HGMD: prior to June 1st, 2018), and was therefore a candidate for classification through an automated scoring system. Utilizing variant allele frequency, disease prevalence and penetrance estimates, and inheritance mode, an automated score was calculated to assess if this variant is too frequent to cause the disease. Based on the score and internal cut-off values, a variant classified as benign is not then subjected to further curation. The score for this variant resulted in a classification of benign for this disease.

Breakthrough Genomics
Classification: Benign. Review status: criteria provided, single submitter. Criteria: ACMG Guidelines, 2015. Collection method: not provided. Allele origin: germline. Inheritance: Autosomal recessive inheritance. Affected: yes.